The following is an entry in ClinVar:

NM_001873.4(CPE):c.912T>C (p.Asp304=)

Gene: CPE (carboxypeptidase E; plus strand). Cytogenetic location: 4q32.3.
Variant type: single nucleotide variant.
Coding change: c.912T>C on transcript NM_001873.4 (MANE Select); coding-DNA position 912, T replaced by C.
Protein change: p.Asp304=; no amino-acid change (aspartic acid 304 retained).
Molecular consequence: synonymous variant.
Genome position (GRCh38, 1-based): chr4:165,484,543, T>C. VCF-style: chr4-165484543-T-C. GRCh37 (hg19) VCF-style: chr4-166405695-T-C.
Identifiers: ClinVar variation 3352553 (VCV003352553.1).

ClinVar aggregate classification (germline): Likely benign (0 of 4 stars; one submission).

Conditions:
CPE-related disorder. Also called: CPE-related condition.

gnomAD v4.1: 2 of 1,614,068 alleles (0.00012%); highest among the groups gnomAD compares: African/African-American, 0.0013%; no homozygotes.

Submission:

PreventionGenetics, part of Exact Sciences
Classification: Likely benign for CPE-related condition. Last evaluated: 2021-12-19. Review status: no assertion criteria provided. Collection method: clinical testing. Allele origin: germline.
Comment: This variant is classified as likely benign based on ACMG/AMP sequence variant interpretation guidelines (Richards et al. 2015 PMID: 25741868, with internal and published modifications).